The following is an entry in ClinVar:

ClinVar aggregate classification (germline): Uncertain significance (1 of 4 stars; one submission).

Submission:

GeneDx
Classification: Uncertain significance. Last evaluated: 2025-06-18. Review status: criteria provided, single submitter. Criteria: GeneDx Variant Classification Process June 2021. Collection method: clinical testing. Allele origin: germline. Affected: yes.
Comment: Not observed at significant frequency in large population cohorts (gnomAD); In silico analysis suggests that this missense variant does not alter protein structure/function; Has not been previously published as pathogenic or benign to our knowledge

NM_004525.3(LRP2):c.11533A>T (p.Thr3845Ser)

Gene: LRP2 (LDL receptor related protein 2; minus strand). Cytogenetic location: 2q31.1.
Variant type: single nucleotide variant.
Coding change: c.11533A>T on transcript NM_004525.3 (MANE Select); coding-DNA position 11533, A replaced by T.
Protein change: p.Thr3845Ser; replaces threonine 3845 with serine.
Molecular consequence: missense variant.
Genome position (GRCh38, 1-based): chr2:169,168,641, T>A on the plus strand (A>T on the coding strand, the complement: LRP2 is on the minus strand). VCF-style: chr2-169168641-T-A. GRCh37 (hg19) VCF-style: chr2-170025151-T-A.
Other names: short protein forms T3845S.
Identifiers: ClinVar variation 4538788 (VCV004538788.1).